The following is an entry in ClinVar:

NM_002691.4(POLD1):c.1118A>G (p.Lys373Arg)

Gene: POLD1 (DNA polymerase delta 1, catalytic subunit; plus strand). Cytogenetic location: 19q13.33.
Variant type: single nucleotide variant.
Coding change: c.1118A>G on transcript NM_002691.4 (MANE Select); coding-DNA position 1118, A replaced by G.
Protein change: p.Lys373Arg; replaces lysine 373 with arginine.
Molecular consequence: missense variant. On other transcripts: non-coding transcript variant (1).
Genome position (GRCh38, 1-based): chr19:50,403,200, A>G. VCF-style: chr19-50403200-A-G. GRCh37 (hg19) VCF-style: chr19-50906457-A-G.
Other names: c.1118A>G, p.Lys373Arg (NM_001256849.1, NM_001308632.1); short protein forms K373R.
Identifiers: ClinVar variation 469174 (VCV000469174.19), dbSNP rs770407151, ClinGen allele CA9596023.

ClinVar aggregate classification (germline): Conflicting classifications of pathogenicity. Review status: criteria provided, conflicting classifications (1 of 4 stars). 5 submissions from 5 submitters: Uncertain significance (4); Likely benign (1). Last evaluated 2026-02-11.

Conditions:
Hereditary cancer-predisposing syndrome. Also called: Neoplastic Syndromes, Hereditary; Hereditary neoplastic syndrome; Tumor predisposition; Hereditary Cancer Syndrome. Identifiers: Orphanet 140162, MedGen C0027672, MeSH D009386, MONDO:0015356.
POLD1-related polyposis and colorectal cancer syndrome (CRCS10). Also called: Colorectal cancer 10; COLORECTAL CANCER, SUSCEPTIBILITY TO, ON CHROMOSOME 19q; Colorectal cancer, susceptibility to, 10. Identifiers: Orphanet 220460, MedGen C2675481, MONDO:0012953, OMIM 612591.

Allele frequency attached by ClinVar (database versions not stated): gnomAD exomes below 0.00001 and 0.00001; TOPMed 0.00002; gnomAD 0.00003 and 0.00004; ExAC 0.00005.
gnomAD v4.1: 8 of 1,560,536 alleles (0.00051%); highest among the groups gnomAD compares: African/African-American, 0.011%; no homozygotes.

Submissions (5):

St. Jude Molecular Pathology, St. Jude Children's Research Hospital
Classification: Uncertain significance for POLD1-related polyposis and colorectal cancer syndrome. Last evaluated: 2026-02-11. Review status: criteria provided, single submitter. Criteria: St. Jude Assertion Criteria 2020. Collection method: clinical testing. Allele origin: germline.
Comment: The POLD1 c.1118A>G p.(Lys373Arg) missense change has a maximum subpopulation frequency of 0.02% in gnomAD v2.1.1. The in silico tool REVEL predicts a benign effect on protein function, but to our knowledge this prediction has not been confirmed by functional st udies. To our knowledge, this variant has not been reported in individuals with POLD1-related disease. In summary, the evidence currently available is insufficient to determine the clinical significance of this variant. It has therefore been classified as of uncertain significance.

Labcorp Genetics (formerly Invitae), Labcorp
Classification: Uncertain significance for POLD1-related polyposis and colorectal cancer syndrome. Last evaluated: 2025-10-01. Review status: criteria provided, single submitter. Criteria: Invitae Variant Classification Sherloc (09022015). Collection method: clinical testing. Allele origin: germline.
Comment: This sequence change replaces lysine, which is basic and polar, with arginine, which is basic and polar, at codon 373 of the POLD1 protein (p.Lys373Arg). The frequency data for this variant in the population databases is considered unreliable, as metrics indicate poor data quality at this position in the gnomAD database. This variant has not been reported in the literature in individuals affected with POLD1-related conditions. ClinVar contains an entry for this variant (Variation ID: 469174). Invitae Evidence Modeling of protein sequence and biophysical properties (such as structural, functional, and spatial information, amino acid conservation, physicochemical variation, residue mobility, and thermodynamic stability) indicates that this missense variant is not expected to disrupt POLD1 protein function with a negative predictive value of 80%. In summary, the available evidence is currently insufficient to determine the role of this variant in disease. Therefore, it has been classified as a Variant of Uncertain Significance.

GeneDx
Classification: Uncertain significance. Last evaluated: 2025-06-01. Review status: criteria provided, single submitter. Criteria: GeneDx Variant Classification Process June 2021. Collection method: clinical testing. Allele origin: germline. Affected: yes.
Comment: Not observed at significant frequency in large population cohorts (gnomAD); In silico analysis suggests that this missense variant does not alter protein structure/function; Has not been previously published as pathogenic or benign to our knowledge; This variant is associated with the following publications: (PMID: 20951805)

Baylor Genetics
Classification: Uncertain significance for POLD1-related polyposis and colorectal cancer syndrome. Last evaluated: 2023-06-07. Review status: criteria provided, single submitter. Criteria: ACMG Guidelines, 2015. Collection method: clinical testing. Allele origin: unknown.

Ambry Genetics
Classification: Likely benign for Hereditary cancer-predisposing syndrome. Last evaluated: 2019-01-22. Review status: criteria provided, single submitter. Criteria: Ambry Variant Classification Scheme 2023. Collection method: clinical testing. Allele origin: germline.